The following is an entry in ClinVar:

ClinVar aggregate classification (germline): Uncertain significance. Review status: criteria provided, multiple submitters, no conflicts (2 of 4 stars). 2 submissions from 2 submitters: Uncertain significance (2). Last evaluated 2022-10-28.

Allele frequency attached by ClinVar (database versions not stated): gnomAD exomes below 0.00001; ExAC 0.00001; gnomAD 0.00001; TOPMed 0.00001; 1000 Genomes Project 30x 0.00016; 1000 Genomes Project 0.00020.
gnomAD v4.1: 7 of 1,614,006 alleles (0.00043%); highest among the groups gnomAD compares: East Asian, 0.0022%; no homozygotes.

Submissions (2):

Blueprint Genetics
Classification: Uncertain significance. Last evaluated: 2022-10-28. Review status: criteria provided, single submitter. Criteria: ACMG Guidelines, 2015. Collection method: clinical testing. Allele origin: germline.

Labcorp Genetics (formerly Invitae), Labcorp
Classification: Uncertain significance. Last evaluated: 2021-12-02. Review status: criteria provided, single submitter. Criteria: Invitae Variant Classification Sherloc (09022015). Collection method: clinical testing. Allele origin: germline.
Comment: Algorithms developed to predict the effect of missense changes on protein structure and function (SIFT, PolyPhen-2, Align-GVGD) all suggest that this variant is likely to be tolerated. This variant has not been reported in the literature in individuals affected with TUFM-related conditions. This variant is not present in population databases (gnomAD no frequency). This sequence change replaces alanine, which is neutral and non-polar, with valine, which is neutral and non-polar, at codon 113 of the TUFM protein (p.Ala113Val). In summary, the available evidence is currently insufficient to determine the role of this variant in disease. Therefore, it has been classified as a Variant of Uncertain Significance.

NM_003321.5(TUFM):c.338C>T (p.Ala113Val)

Gene: TUFM (Tu translation elongation factor, mitochondrial; minus strand). Cytogenetic location: 16p11.2.
Variant type: single nucleotide variant.
Coding change: c.338C>T on transcript NM_003321.5 (MANE Select); coding-DNA position 338, C replaced by T.
Protein change: p.Ala113Val; replaces alanine 113 with valine.
Molecular consequence: missense variant.
Genome position (GRCh38, 1-based): chr16:28,845,390, G>A on the plus strand (C>T on the coding strand, the complement: TUFM is on the minus strand). VCF-style: chr16-28845390-G-A. GRCh37 (hg19) VCF-style: chr16-28856711-G-A.
Other names: c.338C>T, p.Ala113Val (NM_001365360.2); short protein forms A113V.
Identifiers: ClinVar variation 1498704 (VCV001498704.5), dbSNP rs530661742, ClinGen allele CA7985673.